The following is an entry in ClinVar:

ClinVar aggregate classification (germline): Uncertain significance (1 of 4 stars; one submission).

Conditions:
Cardiovascular phenotype. Identifiers: MedGen CN230736.

gnomAD v4.1: 3 of 1,341,660 alleles (0.00022%); highest among the groups gnomAD compares: Non-Finnish European, 0.00028%; no homozygotes.

Submission:

Ambry Genetics
Classification: Uncertain significance for Cardiovascular phenotype. Last evaluated: 2024-03-04. Review status: criteria provided, single submitter. Criteria: Ambry Variant Classification Scheme 2023. Collection method: clinical testing. Allele origin: germline.
Comment: The p.P70Q variant (also known as c.209C>A), located in coding exon 1 of the SNTA1 gene, results from a C to A substitution at nucleotide position 209. The proline at codon 70 is replaced by glutamine, an amino acid with similar properties. This amino acid position is conserved. In addition, this alteration is predicted to be tolerated by in silico analysis. Based on the available evidence, the clinical significance of this alteration remains unclear.

NM_003098.3(SNTA1):c.209C>A (p.Pro70Gln)

Gene: SNTA1 (syntrophin alpha 1; minus strand). Cytogenetic location: 20q11.21.
Variant type: single nucleotide variant.
Coding change: c.209C>A on transcript NM_003098.3 (MANE Select); coding-DNA position 209, C replaced by A.
Protein change: p.Pro70Gln; replaces proline 70 with glutamine.
Molecular consequence: missense variant.
Genome position (GRCh38, 1-based): chr20:33,443,412, G>T on the plus strand (C>A on the coding strand, the complement: SNTA1 is on the minus strand). VCF-style: chr20-33443412-G-T. GRCh37 (hg19) VCF-style: chr20-32031218-G-T.
Other names: c.209C>A, p.Pro70Gln (NM_001424413.1, NM_001424414.1); short protein forms P70Q.
Identifiers: ClinVar variation 3223114 (VCV003223114.1), dbSNP rs2515129982, ClinGen allele CA408634170.
Genomic context (GRCh38, chr20:33,443,412, plus strand): 5'-ACCGTCACGCGGCGCCGCTGGAGCAGTAGCGCCTCTGGCAGCTGCGGGGGCCCGGCGCCC[G>T]GCTCCGCGGCGCCGTTGAGCTGCGCGGGCTCCTGCTCCCGCGGAGCGCCGGGCTCGGGAC-3'
Protein context (NP_003089.1, residues 60-80): EPAQLNGAAE[Pro70Gln]GAGPPQLPEA